The following is an entry in ClinVar:

NM_001134673.4(NFIA):c.1412C>T (p.Thr471Met)

Gene: NFIA (nuclear factor I A; plus strand). Cytogenetic location: 1p31.3.
Variant type: single nucleotide variant.
Coding change: c.1412C>T on transcript NM_001134673.4 (MANE Select); coding-DNA position 1412, C replaced by T.
Protein change: p.Thr471Met; replaces threonine 471 with methionine.
Molecular consequence: missense variant.
Genome position (GRCh38, 1-based): chr1:61,406,719, C>T. VCF-style: chr1-61406719-C-T. GRCh37 (hg19) VCF-style: chr1-61872391-C-T.
Other names: c.1388C>T, p.Thr463Met (NM_001145511.2); c.1547C>T, p.Thr516Met (NM_001145512.2); c.1412C>T, p.Thr471Met (NM_005595.5); short protein forms T463M, T516M, T471M.
Identifiers: ClinVar variation 2874596 (VCV002874596.3), dbSNP rs755058879, ClinGen allele CA23747524.

ClinVar aggregate classification (germline): Uncertain significance (1 of 4 stars; one submission).

Allele frequency attached by ClinVar (database versions not stated): TOPMed below 0.00001; gnomAD 0.00001.
gnomAD v4.1: 4 of 1,608,082 alleles (0.00025%); highest among the groups gnomAD compares: Admixed American, 0.0017%; no homozygotes.

Submission:

Labcorp Genetics (formerly Invitae), Labcorp
Classification: Uncertain significance. Last evaluated: 2024-10-24. Review status: criteria provided, single submitter. Criteria: Invitae Variant Classification Sherloc (09022015). Collection method: clinical testing. Allele origin: germline.
Comment: This sequence change replaces threonine, which is neutral and polar, with methionine, which is neutral and non-polar, at codon 471 of the NFIA protein (p.Thr471Met). This variant is not present in population databases (gnomAD no frequency). This variant has not been reported in the literature in individuals affected with NFIA-related conditions. An algorithm developed to predict the effect of missense changes on protein structure and function (PolyPhen-2) suggests that this variant is likely to be disruptive. In summary, the available evidence is currently insufficient to determine the role of this variant in disease. Therefore, it has been classified as a Variant of Uncertain Significance.